The following is an entry in ClinVar:

NM_015192.4(PLCB1):c.913G>A (p.Gly305Arg)

Gene: PLCB1 (phospholipase C beta 1; plus strand). Cytogenetic location: 20p12.3.
Variant type: single nucleotide variant.
Coding change: c.913G>A on transcript NM_015192.4 (MANE Select); coding-DNA position 913, G replaced by A.
Protein change: p.Gly305Arg; replaces glycine 305 with arginine.
Molecular consequence: missense variant.
Genome position (GRCh38, 1-based): chr20:8,684,982, G>A. VCF-style: chr20-8684982-G-A. GRCh37 (hg19) VCF-style: chr20-8665629-G-A.
Other names: c.913G>A, p.Gly305Arg (NM_182734.3); short protein forms G305R.
Identifiers: ClinVar variation 284892 (VCV000284892.11), dbSNP rs370525961, ClinGen allele CA9759852.

ClinVar aggregate classification (germline): Uncertain significance. Review status: criteria provided, multiple submitters, no conflicts (2 of 4 stars). 2 submissions from 2 submitters: Uncertain significance (2). Last evaluated 2022-10-17.

Conditions:
Developmental and epileptic encephalopathy, 12 (DEE12). Identifiers: MedGen C3150988, MONDO:0013389, OMIM 613722.

Allele frequency attached by ClinVar (database versions not stated): ExAC 0.00002; gnomAD exomes 0.00002; gnomAD 0.00003 and 0.00004; TOPMed 0.00008; ESP Exome Variant Server 0.00015.
gnomAD v4.1: 78 of 1,613,522 alleles (0.0048%); highest among the groups gnomAD compares: Non-Finnish European, 0.0063%; no homozygotes.

Submissions (2):

Labcorp Genetics (formerly Invitae), Labcorp
Classification: Uncertain significance for Developmental and epileptic encephalopathy, 12. Last evaluated: 2022-10-17. Review status: criteria provided, single submitter. Criteria: Invitae Variant Classification Sherloc (09022015). Collection method: clinical testing. Allele origin: germline.
Comment: This sequence change replaces glycine, which is neutral and non-polar, with arginine, which is basic and polar, at codon 305 of the PLCB1 protein (p.Gly305Arg). This variant is present in population databases (rs370525961, gnomAD 0.006%). This variant has not been reported in the literature in individuals affected with PLCB1-related conditions. ClinVar contains an entry for this variant (Variation ID: 284892). Advanced modeling of protein sequence and biophysical properties (such as structural, functional, and spatial information, amino acid conservation, physicochemical variation, residue mobility, and thermodynamic stability) performed at Invitae indicates that this missense variant is expected to disrupt PLCB1 protein function. In summary, the available evidence is currently insufficient to determine the role of this variant in disease. Therefore, it has been classified as a Variant of Uncertain Significance.

Eurofins Ntd Llc (ga)
Classification: Uncertain significance. Last evaluated: 2015-11-11. Review status: criteria provided, single submitter. Criteria: EGL Classification Definitions 2015. Collection method: clinical testing. Allele origin: germline. Observed: 1 variant allele, 1 heterozygote.